The following is an entry in ClinVar:

NC_000004.11:g.(?_55602654)_(55604723_?)del

Gene: KIT (KIT proto-oncogene, receptor tyrosine kinase; plus strand). Cytogenetic location: 4q12.
Variant type: Deletion.
Identifiers: ClinVar variation 3246590 (VCV003246590.1).

ClinVar aggregate classification (germline): Pathogenic (1 of 4 stars; one submission).

Conditions:
Gastrointestinal stromal tumor. Also called: Gastrointestinal stromal tumor, somatic; Gastrointestinal stroma tumor. Identifiers: Orphanet 44890, MedGen C0238198, MeSH D046152, MONDO:0011719, OMIM 606764, HP:0100723.

Submission:

Labcorp Genetics (formerly Invitae), Labcorp
Classification: Pathogenic for Gastrointestinal stromal tumor. Last evaluated: 2023-01-02. Review status: criteria provided, single submitter. Criteria: Invitae Variant Classification Sherloc (09022015). Collection method: clinical testing. Allele origin: unknown.
Comment: For these reasons, this variant has been classified as Pathogenic. This variant disrupts a region of the KIT protein in which other variant(s) (p.Pro832Ser) have been determined to be pathogenic (Invitae). This suggests that this is a clinically significant region of the protein, and that variants that disrupt it are likely to be disease-causing. This variant has not been reported in the literature in individuals affected with KIT-related conditions. This variant is a gross deletion of the genomic region encompassing exon(s) 18-21 of the KIT gene, which includes the termination codon. This deletion extends beyond the assayed region for this gene and therefore may encompass additional genes. While this deletion is not anticipated to lead to nonsense mediated decay, it is expected to alter mRNA translation or result in a truncated protein product.